The following is an entry in ClinVar:

NM_003560.4(PLA2G6):c.1797C>G (p.Phe599Leu)

Gene: PLA2G6 (phospholipase A2 group VI; minus strand). Cytogenetic location: 22q13.1.
Variant type: single nucleotide variant.
Coding change: c.1797C>G on transcript NM_003560.4 (MANE Select); coding-DNA position 1797, C replaced by G.
Protein change: p.Phe599Leu; replaces phenylalanine 599 with leucine.
Molecular consequence: missense variant.
Genome position (GRCh38, 1-based): chr22:38,116,157, G>C on the plus strand (C>G on the coding strand, the complement: PLA2G6 is on the minus strand). VCF-style: chr22-38116157-G-C. GRCh37 (hg19) VCF-style: chr22-38512164-G-C.
Other names: c.1635C>G, p.Phe545Leu (NM_001004426.3, NM_001199562.3, NM_001349865.2 and 1 more transcripts); c.1797C>G, p.Phe599Leu (NM_001349864.2); c.1263C>G, p.Phe421Leu (NM_001349867.2); c.1119C>G, p.Phe373Leu (NM_001349868.2); c.1101C>G, p.Phe367Leu (NM_001349869.2); short protein forms F599L, F367L, F421L, F545L, F373L.
Identifiers: ClinVar variation 529508 (VCV000529508.12), dbSNP rs1555979298, ClinGen allele CA411525687.

ClinVar aggregate classification (germline): Conflicting classifications of pathogenicity. Review status: criteria provided, conflicting classifications (1 of 4 stars). 2 submissions from 2 submitters: Pathogenic (1); Uncertain significance (1). Last evaluated 2022-06-27.

Conditions:
Infantile neuroaxonal dystrophy (NBIA2A). Also called: Infantile neuroaxonal dystrophy 1; NEURODEGENERATION WITH BRAIN IRON ACCUMULATION 2A; SEITELBERGER DISEASE. Identifiers: Orphanet 35069, MedGen C0270724, MONDO:0024457, OMIM 256600.

Submissions (2):

Labcorp Genetics (formerly Invitae), Labcorp
Classification: Pathogenic for Infantile neuroaxonal dystrophy. Last evaluated: 2022-06-27. Review status: criteria provided, single submitter. Criteria: Invitae Variant Classification Sherloc (09022015). Collection method: clinical testing. Allele origin: germline.
Comment: This variant is not present in population databases (gnomAD no frequency). This sequence change replaces phenylalanine, which is neutral and non-polar, with leucine, which is neutral and non-polar, at codon 599 of the PLA2G6 protein (p.Phe599Leu). ClinVar contains an entry for this variant (Variation ID: 529508). This missense change has been observed in individual(s) with clinical features of PLA2G6-related conditions (PMID: 32771225; Invitae). In at least one individual the data is consistent with being in trans (on the opposite chromosome) from a pathogenic variant. For these reasons, this variant has been classified as Pathogenic. Advanced modeling of protein sequence and biophysical properties (such as structural, functional, and spatial information, amino acid conservation, physicochemical variation, residue mobility, and thermodynamic stability) performed at Invitae indicates that this missense variant is expected to disrupt PLA2G6 protein function.

Unidad de Genómica Garrahan, Hospital de Pediatría Garrahan
Classification: Uncertain significance for Infantile neuroaxonal dystrophy. Last evaluated: 2021-10-19. Review status: criteria provided, single submitter. Criteria: ACMG Guidelines, 2015. Collection method: clinical testing. Allele origin: germline. Affected: yes. Observed: 1 heterozygote.
Comment: PM2, PP3.

Literature cited by the submitters: PubMed 32771225 (cited by Labcorp Genetics (formerly Invitae), Labcorp).